The following is an entry in ClinVar:

NM_002609.4(PDGFRB):c.995G>A (p.Arg332Gln)

Gene: PDGFRB (platelet derived growth factor receptor beta; minus strand). Cytogenetic location: 5q32.
Variant type: single nucleotide variant.
Coding change: c.995G>A on transcript NM_002609.4 (MANE Select); coding-DNA position 995, G replaced by A.
Protein change: p.Arg332Gln; replaces arginine 332 with glutamine.
Molecular consequence: missense variant.
Genome position (GRCh38, 1-based): chr5:150,132,882, C>T on the plus strand (G>A on the coding strand, the complement: PDGFRB is on the minus strand). VCF-style: chr5-150132882-C-T. GRCh37 (hg19) VCF-style: chr5-149512445-C-T.
Other names: c.803G>A, p.Arg268Gln (NM_001355016.2); c.512G>A, p.Arg171Gln (NM_001355017.2); short protein forms R171Q, R268Q, R332Q.
Identifiers: ClinVar variation 3758664 (VCV003758664.2).

ClinVar aggregate classification (germline): Uncertain significance (1 of 4 stars; one submission).

Conditions:
Skeletal overgrowth-craniofacial dysmorphism-hyperelastic skin-white matter lesions syndrome. Also called: SKELETAL OVERGROWTH WITH FACIAL DYSMORPHISM, HYPERELASTIC SKIN, WHITE MATTER LESIONS, AND NEUROLOGIC DETERIORATION; Kosaki overgrowth syndrome. Identifiers: Orphanet 477831, MedGen C4225270, MONDO:0014704, OMIM 616592.
Infantile myofibromatosis (IMF). Also called: Congenital generalized fibromatosis. Identifiers: Orphanet 2591, MedGen C0432284, MONDO:0016824.
Basal ganglia calcification, idiopathic, 4 (PFBC4). Also called: Familial Idiopathic Basal Ganglia Calcification 4; PRIMARY FAMILIAL BRAIN CALCIFICATION 4, AUTOSOMAL DOMINANT. Identifiers: Orphanet 1980, MedGen C3554321, MONDO:0014004, OMIM 615007.
Acroosteolysis-keloid-like lesions-premature aging syndrome. Also called: Premature aging syndrome, Penttinen type; Prematurely aged appearance, delayed bone maturation, acro-osteolysis, and brachydactyly; Progeroid syndrome, Penttinen type. Identifiers: Orphanet 363665, MedGen C1866182, MONDO:0011150, OMIM 601812.

Submission:

Labcorp Genetics (formerly Invitae), Labcorp
Classification: Uncertain significance for Basal ganglia calcification, idiopathic, 4; Skeletal overgrowth-craniofacial dysmorphism-hyperelastic skin-white matter lesions syndrome; Infantile myofibromatosis; Acroosteolysis-keloid-like lesions-premature aging syndrome. Last evaluated: 2024-11-08. Review status: criteria provided, single submitter. Criteria: Invitae Variant Classification Sherloc (09022015). Collection method: clinical testing. Allele origin: germline.
Comment: This sequence change replaces arginine, which is basic and polar, with glutamine, which is neutral and polar, at codon 332 of the PDGFRB protein (p.Arg332Gln). This variant is present in population databases (rs776046151, gnomAD no frequency). This variant has not been reported in the literature in individuals affected with PDGFRB-related conditions. Invitae Evidence Modeling of protein sequence and biophysical properties (such as structural, functional, and spatial information, amino acid conservation, physicochemical variation, residue mobility, and thermodynamic stability) indicates that this missense variant is not expected to disrupt PDGFRB protein function with a negative predictive value of 80%. In summary, the available evidence is currently insufficient to determine the role of this variant in disease. Therefore, it has been classified as a Variant of Uncertain Significance.